The following is an entry in ClinVar:

NM_005334.3(HCFC1):c.5458G>A (p.Gly1820Ser)

Gene: HCFC1 (host cell factor C1; minus strand). Cytogenetic location: Xq28.
Variant type: single nucleotide variant.
Coding change: c.5458G>A on transcript NM_005334.3 (MANE Select); coding-DNA position 5458, G replaced by A.
Protein change: p.Gly1820Ser; replaces glycine 1820 with serine.
Molecular consequence: missense variant.
Genome position (GRCh38, 1-based): chrX:153,951,409, C>T on the plus strand (G>A on the coding strand, the complement: HCFC1 is on the minus strand). VCF-style: chrX-153951409-C-T. GRCh37 (hg19) VCF-style: chrX-153216860-C-T.
Other names: c.5593G>A, p.Gly1865Ser (NM_001410705.1); c.5599G>A, p.Gly1867Ser (NM_001440843.1); c.5590G>A, p.Gly1864Ser (NM_001440844.1, NM_001440845.1); c.5587G>A, p.Gly1863Ser (NM_001440846.1); c.5470G>A, p.Gly1824Ser (NM_001440847.1); c.5467G>A, p.Gly1823Ser (NM_001440848.1); c.5461G>A, p.Gly1821Ser (NM_001440849.1); c.5392G>A, p.Gly1798Ser (NM_001440850.1); and 2 more; short protein forms G1754S, G1798S, G1820S, G1821S, G1823S, G1824S, G1863S, G1864S.
Identifiers: ClinVar variation 4799101 (VCV004799101.2).

ClinVar aggregate classification (germline): Uncertain significance. Review status: criteria provided, multiple submitters, no conflicts (2 of 4 stars). 2 submissions from 2 submitters: Uncertain significance (2). Last evaluated 2026-03-27.

Conditions:
Methylmalonic acidemia with homocystinuria, type cblX (MAHCX). Also called: INTELLECTUAL DEVELOPMENTAL DISORDER, X-LINKED 3. Identifiers: Orphanet 369962, MedGen C0796208, MONDO:0010657, OMIM 309541.

Submissions (2):

GeneDx
Classification: Uncertain significance. Last evaluated: 2026-03-27. Review status: criteria provided, single submitter. Criteria: GeneDx Variant Classification Process June 2021. Collection method: clinical testing. Allele origin: germline.
Comment: Not observed at significant frequency in large population cohorts (gnomAD); In silico analysis suggests that this missense variant does not alter protein structure/function; Has not been previously published as pathogenic or benign to our knowledge

Labcorp Genetics (formerly Invitae), Labcorp
Classification: Uncertain significance for Methylmalonic acidemia with homocystinuria, type cblX. Last evaluated: 2025-05-21. Review status: criteria provided, single submitter. Criteria: Invitae Variant Classification Sherloc (09022015). Collection method: clinical testing. Allele origin: germline.
Comment: This sequence change replaces glycine, which is neutral and non-polar, with serine, which is neutral and polar, at codon 1820 of the HCFC1 protein (p.Gly1820Ser). This variant is not present in population databases (gnomAD no frequency). This variant has not been reported in the literature in individuals affected with HCFC1-related conditions. Invitae Evidence Modeling of protein sequence and biophysical properties (such as structural, functional, and spatial information, amino acid conservation, physicochemical variation, residue mobility, and thermodynamic stability) has been performed for this missense variant. However, the output from this modeling did not meet the statistical confidence thresholds required to predict the impact of this variant on HCFC1 protein function. In summary, the available evidence is currently insufficient to determine the role of this variant in disease. Therefore, it has been classified as a Variant of Uncertain Significance.